The following is an entry in ClinVar:

NM_000080.4(CHRNE):c.835G>C (p.Val279Leu)

Genes: C17orf107 (chromosome 17 open reading frame 107; plus strand), CHRNE (cholinergic receptor nicotinic epsilon subunit; minus strand). Cytogenetic location: 17p13.2.
Variant type: single nucleotide variant.
Coding change: c.835G>C on transcript NM_000080.4 (MANE Select); coding-DNA position 835, G replaced by C.
Protein change: p.Val279Leu; replaces valine 279 with leucine.
Molecular consequence: missense variant. On other transcripts: 3 prime UTR variant (1).
Genome position (GRCh38, 1-based): chr17:4,900,875, C>G on the plus strand (G>C on the coding strand, the complement: CHRNE is on the minus strand). VCF-style: chr17-4900875-C-G. GRCh37 (hg19) VCF-style: chr17-4804170-C-G.
Other names: c.*342C>G (NM_001145536.2); short protein forms V279L.
Identifiers: ClinVar variation 4816970 (VCV004816970.1).
Genomic context (GRCh38, chr17:4,900,875, plus strand): 5'-GAGAAGTCTCTGGGATTTTCTGGGCAATGAGGAACAAGAAGACGGTCTGGGCGAGCAGGA[C>G]GTTGATGGAGACCGTGCATTTCTGGCCGCCGGCTGGAGGGAGAGCCAGTGAGAGCGGGCC-3'
Protein context (NP_000071.1, residues 269-289): GGQKCTVSIN[Val279Leu]LLAQTVFLFL

ClinVar aggregate classification (germline): Likely pathogenic (1 of 4 stars; one submission).

Conditions:
Congenital myasthenic syndrome (CMS). Also called: Congenital Myasthenic Syndromes. Identifiers: Orphanet 590, MedGen C0751882, MeSH D020294, MONDO:0018940.

Submission:

Natera, Inc.
Classification: Likely pathogenic for Congenital myasthenic syndrome. Last evaluated: 2024-06-03. Review status: criteria provided, single submitter. Criteria: Natera Variant Classification Schema (03/2026). Collection method: clinical testing. Allele origin: germline.
Comment: The c.835G>C variant in CHRNE is a missense variant predicted to cause substitution of valine to leucine at amino acid 279. This variant is rare in the general population with a frequency below the threshold expected for the associated phenotype(s). This variant has been observed in affected individual(s) with monoallelic occurrence (heterozygous/hemizygous) (PMID: 19289485, 21822932). This variant has been observed to segregate in affected family members (PMID: 19289485, 21822932). A different variant at the same position has been determined to be Pathogenic or Likely Pathogenic. Computational prediction algorithms indicate this variant is likely to affect gene or protein function. Given the available evidence, this variant is classified as Likely Pathogenic.

Literature cited by the submitters: PubMed 19289485; PubMed 21822932.